The following is an entry in ClinVar:

NM_015338.6(ASXL1):c.3710C>T (p.Ser1237Phe)

Gene: ASXL1 (ASXL transcriptional regulator 1; plus strand). Cytogenetic location: 20q11.21.
Variant type: single nucleotide variant.
Coding change: c.3710C>T on transcript NM_015338.6 (MANE Select); coding-DNA position 3710, C replaced by T.
Protein change: p.Ser1237Phe; replaces serine 1237 with phenylalanine.
Molecular consequence: missense variant.
Genome position (GRCh38, 1-based): chr20:32,436,422, C>T. VCF-style: chr20-32436422-C-T. GRCh37 (hg19) VCF-style: chr20-31024225-C-T.
Other names: c.3527C>T, p.Ser1176Phe (NM_001363734.1); short protein forms S1176F, S1237F.
Identifiers: ClinVar variation 4525722 (VCV004525722.9).

ClinVar aggregate classification (germline): Conflicting classifications of pathogenicity. Review status: criteria provided, conflicting classifications (1 of 4 stars). 4 submissions from 4 submitters: Uncertain significance (3); Likely benign (1). Last evaluated 2025-10-01.

gnomAD v4.1: 79 of 1,613,852 alleles (0.0049%); highest among the groups gnomAD compares: Non-Finnish European, 0.0064%; no homozygotes.

Submissions (4):

CeGaT Center for Human Genetics Tuebingen
Classification: Likely benign. Last evaluated: 2025-10-01. Review status: criteria provided, single submitter. Criteria: CeGaT Center For Human Genetics Tuebingen Variant Classification Criteria Version 2. Collection method: clinical testing. Allele origin: germline. Affected: yes. Observed: 1 variant allele.
Comment: ASXL1: BP4, BS2

Women's Health and Genetics/Laboratory Corporation of America, LabCorp
Classification: Uncertain significance. Last evaluated: 2025-07-21. Review status: criteria provided, single submitter. Criteria: LabCorp Variant Classification Summary - May 2015. Collection method: clinical testing. Allele origin: germline.
Comment: Variant summary: ASXL1 c.3710C>T (p.Ser1237Phe) results in a non-conservative amino acid change in the encoded protein sequence. Algorithms developed to predict the effect of missense changes on protein structure and function are either unavailable or do not agree on the potential impact of this missense change. The variant allele was found at a frequency of 1.6e-05 in 250736 control chromosomes. The available data on variant occurrences in the general population are insufficient to allow any conclusion about variant significance. To our knowledge, no occurrence of c.3710C>T in individuals affected with Bohring-Opitz Syndrome and no experimental evidence demonstrating its impact on protein function have been reported. No submitters have cited clinical-significance assessments for this variant to ClinVar. Based on the evidence outlined above, the variant was classified as uncertain significance.

Labcorp Genetics (formerly Invitae), Labcorp
Classification: Uncertain significance. Last evaluated: 2025-05-08. Review status: criteria provided, single submitter. Criteria: Invitae Variant Classification Sherloc (09022015). Collection method: clinical testing. Allele origin: germline.
Comment: This sequence change replaces serine, which is neutral and polar, with phenylalanine, which is neutral and non-polar, at codon 1237 of the ASXL1 protein (p.Ser1237Phe). This variant is present in population databases (rs749636650, gnomAD 0.003%). This variant has not been reported in the literature in individuals affected with ASXL1-related conditions. An algorithm developed to predict the effect of missense changes on protein structure and function (PolyPhen-2) suggests that this variant is likely to be disruptive. In summary, the available evidence is currently insufficient to determine the role of this variant in disease. Therefore, it has been classified as a Variant of Uncertain Significance.

Blueprint Genetics
Classification: Uncertain significance. Last evaluated: 2023-03-24. Review status: criteria provided, single submitter. Criteria: ACMG Guidelines, 2015. Collection method: clinical testing. Allele origin: germline.

Literature cited by the submitters: PubMed 22489043 (cited by Women's Health and Genetics/Laboratory Corporation of America, LabCorp); PubMed 24442206 (cited by Women's Health and Genetics/Laboratory Corporation of America, LabCorp); PubMed 24458439 (cited by Women's Health and Genetics/Laboratory Corporation of America, LabCorp); PubMed 25652455 (cited by Women's Health and Genetics/Laboratory Corporation of America, LabCorp); PubMed 24695057 (cited by Women's Health and Genetics/Laboratory Corporation of America, LabCorp); PubMed 23018865 (cited by Women's Health and Genetics/Laboratory Corporation of America, LabCorp); PubMed 21881046 (cited by Women's Health and Genetics/Laboratory Corporation of America, LabCorp); PubMed 23619563 (cited by Women's Health and Genetics/Laboratory Corporation of America, LabCorp); PubMed 20880116 (cited by Women's Health and Genetics/Laboratory Corporation of America, LabCorp); PubMed 23690417 (cited by Women's Health and Genetics/Laboratory Corporation of America, LabCorp); PubMed 22031865 (cited by Women's Health and Genetics/Laboratory Corporation of America, LabCorp); PubMed 25596267 (cited by Women's Health and Genetics/Laboratory Corporation of America, LabCorp); PubMed 22058207 (cited by Women's Health and Genetics/Laboratory Corporation of America, LabCorp); PubMed 24496303 (cited by Women's Health and Genetics/Laboratory Corporation of America, LabCorp); PubMed 21576631 (cited by Women's Health and Genetics/Laboratory Corporation of America, LabCorp); PubMed 24255920 (cited by Women's Health and Genetics/Laboratory Corporation of America, LabCorp); PubMed 27895058 (cited by Women's Health and Genetics/Laboratory Corporation of America, LabCorp); PubMed 27276561 (cited by Women's Health and Genetics/Laboratory Corporation of America, LabCorp); PubMed 27069254 (cited by Women's Health and Genetics/Laboratory Corporation of America, LabCorp).